The following is an entry in ClinVar:

NM_001378477.3(NYX):c.401G>T (p.Arg134Leu)

Gene: NYX (nyctalopin; plus strand). Cytogenetic location: Xp11.4.
Variant type: single nucleotide variant.
Coding change: c.401G>T on transcript NM_001378477.3 (MANE Select); coding-DNA position 401, G replaced by T.
Protein change: p.Arg134Leu; replaces arginine 134 with leucine.
Molecular consequence: missense variant.
Genome position (GRCh38, 1-based): chrX:41,473,869, G>T. VCF-style: chrX-41473869-G-T. GRCh37 (hg19) VCF-style: chrX-41333122-G-T.
Other names: c.401G>T, p.Arg134Leu (NM_022567.3); short protein forms R134L.
Identifiers: ClinVar variation 3617556 (VCV003617556.2).
Genomic context (GRCh38, chrX:41,473,869, plus strand): 5'-ACAACGGCGACCTGCGCTACCTGCACGCGCGCACCTTCGCGGCGCTCAGCCGCCTGCGCC[G>T]CCTAGACCTAGCAGCCTGCCGCCTCTTCAGCGTGCCCGAGCGCCTCCTGGCCGAACTGCC-3'
Protein context (NP_001365406.2, residues 124-144): RTFAALSRLR[Arg134Leu]LDLAACRLFS

ClinVar aggregate classification (germline): Uncertain significance (1 of 4 stars; one submission).

gnomAD v4.1: 2 of 1,123,454 alleles (0.00018%); highest among the groups gnomAD compares: African/African-American, 0.0038%; no homozygotes.

Submission:

Labcorp Genetics (formerly Invitae), Labcorp
Classification: Uncertain significance. Last evaluated: 2026-01-22. Review status: criteria provided, single submitter. Criteria: Invitae Variant Classification Sherloc (09022015). Collection method: clinical testing. Allele origin: germline.
Comment: This sequence change replaces arginine, which is basic and polar, with leucine, which is neutral and non-polar, at codon 139 of the NYX protein (p.Arg139Leu). This variant is not present in population databases (gnomAD no frequency). This variant has not been reported in the literature in individuals affected with NYX-related conditions. ClinVar contains an entry for this variant (Variation ID: 3617556). Invitae Evidence Modeling of protein sequence and biophysical properties (such as structural, functional, and spatial information, amino acid conservation, physicochemical variation, residue mobility, and thermodynamic stability) indicates that this missense variant is not expected to disrupt NYX protein function with a negative predictive value of 80%. In summary, the available evidence is currently insufficient to determine the role of this variant in disease. Therefore, it has been classified as a Variant of Uncertain Significance.